The following is an entry in ClinVar:

ClinVar aggregate classification (germline): Uncertain significance. Review status: criteria provided, multiple submitters, no conflicts (2 of 4 stars). 2 submissions from 2 submitters: Uncertain significance (2). Last evaluated 2025-08-09.

Conditions:
Inborn genetic diseases. Identifiers: MedGen C0950123, MeSH D030342.

Allele frequency attached by ClinVar (database versions not stated): TOPMed below 0.00001; gnomAD 0.00001; ExAC 0.00003; gnomAD exomes 0.00003.
gnomAD v4.1: 49 of 1,613,918 alleles (0.003%); highest among the groups gnomAD compares: Admixed American, 0.0067%; no homozygotes.

Submissions (2):

Ambry Genetics
Classification: Uncertain significance for Inborn genetic diseases. Last evaluated: 2025-08-09. Review status: criteria provided, single submitter. Criteria: Ambry Variant Classification Scheme 2023. Collection method: clinical testing. Allele origin: germline.

Labcorp Genetics (formerly Invitae), Labcorp
Classification: Uncertain significance. Last evaluated: 2022-12-06. Review status: criteria provided, single submitter. Criteria: Invitae Variant Classification Sherloc (09022015). Collection method: clinical testing. Allele origin: germline.
Comment: This sequence change replaces asparagine, which is neutral and polar, with serine, which is neutral and polar, at codon 865 of the INPPL1 protein (p.Asn865Ser). In summary, the available evidence is currently insufficient to determine the role of this variant in disease. Therefore, it has been classified as a Variant of Uncertain Significance. Algorithms developed to predict the effect of missense changes on protein structure and function are either unavailable or do not agree on the potential impact of this missense change (SIFT: "Deleterious"; PolyPhen-2: "Benign"; Align-GVGD: "Class C0"). ClinVar contains an entry for this variant (Variation ID: 1019356). This variant has not been reported in the literature in individuals affected with INPPL1-related conditions. This variant is present in population databases (rs544698282, gnomAD 0.01%).

NM_001567.4(INPPL1):c.2594A>G (p.Asn865Ser)

Gene: INPPL1 (inositol polyphosphate phosphatase like 1; plus strand). Cytogenetic location: 11q13.4.
Variant type: single nucleotide variant.
Coding change: c.2594A>G on transcript NM_001567.4 (MANE Select); coding-DNA position 2594, A replaced by G.
Protein change: p.Asn865Ser; replaces asparagine 865 with serine.
Molecular consequence: missense variant.
Genome position (GRCh38, 1-based): chr11:72,235,386, A>G. VCF-style: chr11-72235386-A-G. GRCh37 (hg19) VCF-style: chr11-71946430-A-G.
Other names: c.2594A>G (NM_001567.3); short protein forms N865S.
Identifiers: ClinVar variation 1019356 (VCV001019356.9), dbSNP rs544698282, ClinGen allele CA6170399.